The following is an entry in ClinVar:

NM_001177693.2(ARHGEF28):c.2608A>G (p.Ile870Val)

Gene: ARHGEF28 (Rho guanine nucleotide exchange factor 28; plus strand). Cytogenetic location: 5q13.2.
Variant type: single nucleotide variant.
Coding change: c.2608A>G on transcript NM_001177693.2 (MANE Select); coding-DNA position 2608, A replaced by G.
Protein change: p.Ile870Val; replaces isoleucine 870 with valine.
Molecular consequence: missense variant.
Genome position (GRCh38, 1-based): chr5:73,873,040, A>G. VCF-style: chr5-73873040-A-G. GRCh37 (hg19) VCF-style: chr5-73168865-A-G.
Other names: c.2608A>G, p.Ile870Val (NM_001080479.3, NM_001388078.1); c.1669A>G, p.Ile557Val (NM_001244364.2); c.2314A>G, p.Ile772Val (NM_001388076.1); short protein forms I557V, I772V, I870V.
Identifiers: ClinVar variation 2636079 (VCV002636079.1), dbSNP rs376738138, ClinGen allele CA3304905.

ClinVar aggregate classification (germline): Uncertain significance (1 of 4 stars; one submission).

Conditions:
ARHGEF28-related disorder. Also called: ARHGEF28-related condition.

Allele frequency attached by ClinVar (database versions not stated): TOPMed 0.00002; ExAC 0.00003; gnomAD exomes 0.00003; ESP Exome Variant Server 0.00008.
gnomAD v4.1: 46 of 1,613,780 alleles (0.0029%); highest among the groups gnomAD compares: Non-Finnish European, 0.0036%; no homozygotes.

Submission:

PreventionGenetics, part of Exact Sciences
Classification: Uncertain significance for ARHGEF28-related condition. Last evaluated: 2023-07-19. Review status: criteria provided, single submitter. Criteria: ACMG Guidelines, 2015. Collection method: clinical testing. Allele origin: germline.
Comment: The ARHGEF28 c.2608A>G variant is predicted to result in the amino acid substitution p.Ile870Val. To our knowledge, this variant has not been reported in the literature. This variant is reported in 0.0062% of alleles in individuals of European (Non-Finnish) descent in gnomAD. At this time, the clinical significance of this variant is uncertain due to the absence of conclusive functional and genetic evidence.